The following is an entry in ClinVar:

NM_139318.5(KCNH5):c.2531C>T (p.Pro844Leu)

Gene: KCNH5 (potassium voltage-gated channel subfamily H member 5; minus strand). Cytogenetic location: 14q23.2.
Variant type: single nucleotide variant.
Coding change: c.2531C>T on transcript NM_139318.5 (MANE Select); coding-DNA position 2531, C replaced by T.
Protein change: p.Pro844Leu; replaces proline 844 with leucine.
Molecular consequence: missense variant. On other transcripts: 3 prime UTR variant (1).
Genome position (GRCh38, 1-based): chr14:62,707,944, G>A on the plus strand (C>T on the coding strand, the complement: KCNH5 is on the minus strand). VCF-style: chr14-62707944-G-A. GRCh37 (hg19) VCF-style: chr14-63174662-G-A.
Other names: c.*498C>T (NM_172375.3); short protein forms P844L.
Identifiers: ClinVar variation 4801997 (VCV004801997.1).

ClinVar aggregate classification (germline): Uncertain significance (1 of 4 stars; one submission).

Conditions:
Early-infantile DEE. Also called: Early infantile epileptic encephalopathy; Early infantile epileptic encephalopathy with suppression bursts; Ohtahara syndrome. Identifiers: Orphanet 1934, MedGen C0393706, MONDO:0800491.

Submission:

Labcorp Genetics (formerly Invitae), Labcorp
Classification: Uncertain significance for Early-infantile DEE. Last evaluated: 2026-01-20. Review status: criteria provided, single submitter. Criteria: Invitae Variant Classification Sherloc (09022015). Collection method: clinical testing. Allele origin: germline.
Comment: This sequence change replaces proline, which is neutral and non-polar, with leucine, which is neutral and non-polar, at codon 844 of the KCNH5 protein (p.Pro844Leu). This variant is not present in population databases (gnomAD no frequency). This variant has not been reported in the literature in individuals affected with KCNH5-related conditions. Invitae Evidence Modeling of protein sequence and biophysical properties (such as structural, functional, and spatial information, amino acid conservation, physicochemical variation, residue mobility, and thermodynamic stability) indicates that this missense variant is not expected to disrupt KCNH5 protein function with a negative predictive value of 95%. In summary, the available evidence is currently insufficient to determine the role of this variant in disease. Therefore, it has been classified as a Variant of Uncertain Significance.